The following is an entry in ClinVar:

NM_032043.3(BRIP1):c.56A>C (p.Tyr19Ser)

Gene: BRIP1 (BRCA1 interacting DNA helicase 1; minus strand). Cytogenetic location: 17q23.2.
Variant type: single nucleotide variant.
Coding change: c.56A>C on transcript NM_032043.3 (MANE Select); coding-DNA position 56, A replaced by C.
Protein change: p.Tyr19Ser; replaces tyrosine 19 with serine.
Molecular consequence: missense variant.
Genome position (GRCh38, 1-based): chr17:61,861,484, T>G on the plus strand (A>C on the coding strand, the complement: BRIP1 is on the minus strand). VCF-style: chr17-61861484-T-G. GRCh37 (hg19) VCF-style: chr17-59938845-T-G.
Other names: short protein forms Y19S.
Identifiers: ClinVar variation 1171347 (VCV001171347.6), dbSNP rs876660880, ClinGen allele CA400485979.

ClinVar aggregate classification (germline): Uncertain significance. Review status: criteria provided, multiple submitters, no conflicts (2 of 4 stars). 2 submissions from 2 submitters: Uncertain significance (2). Last evaluated 2024-09-09.

Conditions:
Hereditary cancer-predisposing syndrome. Also called: Tumor predisposition; Hereditary neoplastic syndrome; Hereditary Cancer Syndrome; Neoplastic Syndromes, Hereditary. Identifiers: Orphanet 140162, MedGen C0027672, MeSH D009386, MONDO:0015356.

gnomAD v4.1: 1 of 1,613,466 alleles (0.000062%); highest among the groups gnomAD compares: Non-Finnish European, 0.000085%; no homozygotes.

Submissions (2):

Ambry Genetics
Classification: Uncertain significance for Hereditary cancer-predisposing syndrome. Last evaluated: 2024-09-09. Review status: criteria provided, single submitter. Criteria: Ambry Variant Classification Scheme 2023. Collection method: clinical testing. Allele origin: germline.
Comment: The p.Y19S variant (also known as c.56A>C), located in coding exon 1 of the BRIP1 gene, results from an A to C substitution at nucleotide position 56. The tyrosine at codon 19 is replaced by serine, an amino acid with dissimilar properties. This amino acid position is poorly conserved in available vertebrate species. In addition, the in silico prediction for this alteration is inconclusive. Since supporting evidence is limited at this time, the clinical significance of this alteration remains unclear.

Color Diagnostics, LLC DBA Color Health
Classification: Uncertain significance for Hereditary cancer-predisposing syndrome. Last evaluated: 2024-03-07. Review status: criteria provided, single submitter. Criteria: ACMG Guidelines, 2015. Collection method: clinical testing. Allele origin: germline.
Comment: This missense variant replaces tyrosine with serine at codon 19 of the BRIP1 protein. Computational prediction suggests that this variant may not impact protein structure and function (internally defined REVEL score threshold <= 0.5, PMID: 27666373). To our knowledge, functional studies have not been reported for this variant. This variant has not been reported in individuals affected with hereditary cancer in the literature. This variant has not been identified in the general population by the Genome Aggregation Database (gnomAD). The available evidence is insufficient to determine the role of this variant in disease conclusively. Therefore, this variant is classified as a Variant of Uncertain Significance.